The following is an entry in ClinVar:

ClinVar aggregate classification (germline): Uncertain significance (1 of 4 stars; one submission).

Submission:

Labcorp Genetics (formerly Invitae), Labcorp
Classification: Uncertain significance. Last evaluated: 2022-08-09. Review status: criteria provided, single submitter. Criteria: Invitae Variant Classification Sherloc (09022015). Collection method: clinical testing. Allele origin: germline.
Comment: Algorithms developed to predict the effect of missense changes on protein structure and function are either unavailable or do not agree on the potential impact of this missense change (SIFT: "Deleterious"; PolyPhen-2: "Probably Damaging"; Align-GVGD: "Class C0"). In summary, the available evidence is currently insufficient to determine the role of this variant in disease. Therefore, it has been classified as a Variant of Uncertain Significance. This variant has not been reported in the literature in individuals affected with CACNA1F-related conditions. This variant is not present in population databases (gnomAD no frequency). This sequence change replaces leucine, which is neutral and non-polar, with proline, which is neutral and non-polar, at codon 258 of the CACNA1F protein (p.Leu258Pro).

NM_001256789.3(CACNA1F):c.773T>C (p.Leu258Pro)

Gene: CACNA1F (calcium voltage-gated channel subunit alpha1 F; minus strand). Cytogenetic location: Xp11.23.
Variant type: single nucleotide variant.
Coding change: c.773T>C on transcript NM_001256789.3 (MANE Select); coding-DNA position 773, T replaced by C.
Protein change: p.Leu258Pro; replaces leucine 258 with proline.
Molecular consequence: missense variant.
Genome position (GRCh38, 1-based): chrX:49,230,264, A>G on the plus strand (T>C on the coding strand, the complement: CACNA1F is on the minus strand). VCF-style: chrX-49230264-A-G. GRCh37 (hg19) VCF-style: chrX-49086726-A-G.
Other names: c.578T>C, p.Leu193Pro (NM_001256790.3); c.773T>C, p.Leu258Pro (NM_005183.4); short protein forms L193P, L258P.
Identifiers: ClinVar variation 2061037 (VCV002061037.4), dbSNP rs2519136871, ClinGen allele CA412924349.